The following is an entry in ClinVar:

ClinVar aggregate classification (germline): Benign (1 of 4 stars; one submission).

Conditions:
Breast-ovarian cancer, familial, susceptibility to, 2 (BROVCA2). Also called: BRCA2 Hereditary Breast and Ovarian Cancer. Identifiers: Orphanet 145, MedGen C2675520, MONDO:0012933, OMIM 612555. Disease mechanism: loss of function.

gnomAD v4.1: 453 of 1,021,710 alleles (0.044%); highest among the groups gnomAD compares: Non-Finnish European, 0.064%; no homozygotes.

Submission:

Dipartimento Di Medicina Di Precisione, Università Degli Studi Della Campania Luigi Vanvitelli
Classification: Benign for Breast-ovarian cancer, familial, susceptibility to, 2. Last evaluated: 2025-07-18. Review status: criteria provided, single submitter. Criteria: ACMG Guidelines, 2015. Collection method: clinical testing. Allele origin: germline. Inheritance: Autosomal dominant inheritance. Affected: yes. Observed: 1 heterozygote.
Comment: In silico splicing prediction tools indicate no significant impact on normal splicing. The variant does not affect canonical splice sites nor create cryptic splice sites. It is absent from population databases and clinical reports. Based on these data and ACMG criteria, the variant is classified as benign.

Literature cited by the submitters: DOI 10.3390/ijms26135928.

NM_000465.4(BARD1):c.1677+93C>T

Gene: BARD1 (BRCA1 associated RING domain 1; minus strand). Cytogenetic location: 2q35.
Variant type: single nucleotide variant.
Coding change: c.1677+93C>T on transcript NM_000465.4 (MANE Select); 93 bases into the intron after coding-DNA position 1677, C replaced by T.
Molecular consequence: intron variant.
Genome position (GRCh38, 1-based): chr2:214,752,354, G>A on the plus strand (C>T on the coding strand, the complement: BARD1 is on the minus strand). VCF-style: chr2-214752354-G-A. GRCh37 (hg19) VCF-style: chr2-215617078-G-A.
Other names: c.267+93C>T (NM_001282548.2); c.1620+93C>T (NM_001282543.2); c.324+93C>T (NM_001282545.2); c.365-21846C>T (NM_001282549.2).
Identifiers: ClinVar variation 4057263 (VCV004057263.1).